The following is an entry in ClinVar:

ClinVar aggregate classification (germline): Uncertain significance. Review status: criteria provided, multiple submitters, no conflicts (2 of 4 stars). 2 submissions from 2 submitters: Uncertain significance (2). Last evaluated 2024-02-24.

Allele frequency attached by ClinVar (database versions not stated): ExAC 0.00001; gnomAD 0.00001.
gnomAD v4.1: 32 of 1,597,976 alleles (0.002%); highest among the groups gnomAD compares: Middle Eastern, 0.05%; no homozygotes.

Submissions (2):

Labcorp Genetics (formerly Invitae), Labcorp
Classification: Uncertain significance. Last evaluated: 2024-02-24. Review status: criteria provided, single submitter. Criteria: Invitae Variant Classification Sherloc (09022015). Collection method: clinical testing. Allele origin: germline.
Comment: This sequence change replaces glutamic acid, which is acidic and polar, with glutamine, which is neutral and polar, at codon 1222 of the TRPM1 protein (p.Glu1222Gln). This variant is present in population databases (rs267604151, gnomAD 0.01%). This variant has not been reported in the literature in individuals affected with TRPM1-related conditions. ClinVar contains an entry for this variant (Variation ID: 1346373). Advanced modeling of protein sequence and biophysical properties (such as structural, functional, and spatial information, amino acid conservation, physicochemical variation, residue mobility, and thermodynamic stability) performed at Invitae indicates that this missense variant is not expected to disrupt TRPM1 protein function with a negative predictive value of 95%. In summary, the available evidence is currently insufficient to determine the role of this variant in disease. Therefore, it has been classified as a Variant of Uncertain Significance.

Blueprint Genetics
Classification: Uncertain significance. Last evaluated: 2021-09-16. Review status: criteria provided, single submitter. Criteria: ACMG Guidelines, 2015. Collection method: clinical testing. Allele origin: germline.

NM_001252024.2(TRPM1):c.3730G>C (p.Glu1244Gln)

Gene: TRPM1 (transient receptor potential cation channel subfamily M member 1; minus strand). Cytogenetic location: 15q13.3.
Variant type: single nucleotide variant.
Coding change: c.3730G>C on transcript NM_001252024.2 (MANE Select); coding-DNA position 3730, G replaced by C.
Protein change: p.Glu1244Gln; replaces glutamic acid 1244 with glutamine.
Molecular consequence: missense variant.
Genome position (GRCh38, 1-based): chr15:31,002,970, C>G on the plus strand (G>C on the coding strand, the complement: TRPM1 is on the minus strand). VCF-style: chr15-31002970-C-G. GRCh37 (hg19) VCF-style: chr15-31295173-C-G.
Other names: c.3781G>C, p.Glu1261Gln (NM_001252020.2); c.3664G>C, p.Glu1222Gln (NM_002420.6); short protein forms E1261Q, E1222Q, E1244Q.
Identifiers: ClinVar variation 1346373 (VCV001346373.7), dbSNP rs267604151, ClinGen allele CA7451784.